The following is an entry in ClinVar:

NM_018965.4(TREM2):c.83C>T (p.Ala28Val)

Gene: TREM2 (triggering receptor expressed on myeloid cells 2; minus strand). Cytogenetic location: 6p21.1.
Variant type: single nucleotide variant.
Coding change: c.83C>T on transcript NM_018965.4 (MANE Select); coding-DNA position 83, C replaced by T.
Protein change: p.Ala28Val; replaces alanine 28 with valine.
Molecular consequence: missense variant.
Genome position (GRCh38, 1-based): chr6:41,161,571, G>A on the plus strand (C>T on the coding strand, the complement: TREM2 is on the minus strand). VCF-style: chr6-41161571-G-A. GRCh37 (hg19) VCF-style: chr6-41129309-G-A.
Other names: c.83C>T, p.Ala28Val (NM_001271821.2); c.83C>T (NM_018965.3); short protein forms A28V.
Identifiers: ClinVar variation 1391887 (VCV001391887.7), dbSNP rs2234252, ClinGen allele CA3798970.
Genomic context (GRCh38, chr6:41,161,571, plus strand): 5'-TTGCGCCTCCCCCAGTGCTTCATGGAGTCATAGGGGCAAGACACCTGCAGGGACTGGCCC[G>A]CCACGCCCTGGAACACTGTGGTGTTGTGGGCTCCGGACAGCTCTGGGGAGGAGACATTCA-3'
Protein context (NP_061838.1, residues 18-38): AHNTTVFQGV[Ala28Val]GQSLQVSCPY

ClinVar aggregate classification (germline): Conflicting classifications of pathogenicity. Review status: criteria provided, conflicting classifications (1 of 4 stars). 3 submissions from 3 submitters: Uncertain significance (1); Likely benign (1). 1 of the submissions does not count toward it. Last evaluated 2025-01-06.

Conditions:
TREM2-related disorder. Also called: TREM2-related condition.

Allele frequency attached by ClinVar (database versions not stated): gnomAD exomes 0.00008 and 0.00026; ESP Exome Variant Server 0.00015; ExAC 0.00019; 1000 Genomes Project 30x 0.00031; gnomAD 0.00033 and 0.00034; 1000 Genomes Project 0.00040; TOPMed 0.00073.
gnomAD v4.1: 180 of 1,614,028 alleles (0.011%); highest among the groups gnomAD compares: Admixed American, 0.2%; 1 homozygote.

Submissions (4):

Labcorp Genetics (formerly Invitae), Labcorp
Classification: Uncertain significance. Last evaluated: 2025-01-06. Review status: criteria provided, single submitter. Criteria: Invitae Variant Classification Sherloc (09022015). Collection method: clinical testing. Allele origin: germline.
Comment: This sequence change replaces alanine, which is neutral and non-polar, with valine, which is neutral and non-polar, at codon 28 of the TREM2 protein (p.Ala28Val). This variant is present in population databases (rs2234252, gnomAD 0.1%). This missense change has been observed in individual(s) with clinical features of Alzheimer disease and frontotemporal dementia (PMID: 25042114, 27589997). ClinVar contains an entry for this variant (Variation ID: 1391887). An algorithm developed to predict the effect of missense changes on protein structure and function outputs the following: PolyPhen-2: "Benign". The valine amino acid residue is found in multiple mammalian species, which suggests that this missense change does not adversely affect protein function. Experimental studies are conflicting or provide insufficient evidence to determine the effect of this variant on TREM2 function (PMID: 27589997). In summary, the available evidence is currently insufficient to determine the role of this variant in disease. Therefore, it has been classified as a Variant of Uncertain Significance.

GeneDx
Classification: Likely benign. Last evaluated: 2020-03-19. Review status: criteria provided, single submitter. Criteria: GeneDx Variant Classification Process June 2021. Collection method: clinical testing. Allele origin: germline. Affected: yes.
Comment: See Variant Classification Assertion Criteria.

PreventionGenetics, part of Exact Sciences
Classification: Uncertain significance for TREM2-related condition. Last evaluated: 2024-09-12. Review status: no assertion criteria provided. Collection method: clinical testing. Allele origin: germline. Not counted in ClinVar's aggregate classification.
Comment: The TREM2 c.83C>T variant is predicted to result in the amino acid substitution p.Ala28Val. This variant was reported in an individual with Alzheimer disease (Sirkis et al 2016. PubMed ID: 27589997). This variant is reported in 0.15% of alleles in individuals of Latino descent in gnomAD. At this time, the clinical significance of this variant is uncertain due to the absence of conclusive functional and genetic evidence.

Dr. Peter K. Rogan Lab, Western University
No classification provided (evidence only). Condition: Uterine corpus endometrial carcinoma. Review status: no classification provided. Collection method: in vitro. Allele origin: not applicable. Functional consequence: retained intron. Not counted in ClinVar's aggregate classification.

Literature cited by the submitters: PubMed 25042114 (cited by Labcorp Genetics (formerly Invitae), Labcorp); PubMed 27589997 (cited by Labcorp Genetics (formerly Invitae), Labcorp).